The following is an entry in ClinVar:

ClinVar aggregate classification (germline): Uncertain significance (1 of 4 stars; one submission).

Conditions:
ARID1A-related disorder. Also called: ARID1A-related condition.

gnomAD v4.1: 1 of 1,614,282 alleles (0.000062%); highest among the groups gnomAD compares: East Asian, 0.0022%; no homozygotes.

Submission:

PreventionGenetics, part of Exact Sciences
Classification: Uncertain significance for ARID1A-related condition. Last evaluated: 2023-09-16. Review status: criteria provided, single submitter. Criteria: ACMG Guidelines, 2015. Collection method: clinical testing. Allele origin: germline.
Comment: The ARID1A c.2534C>A variant is predicted to result in the amino acid substitution p.Pro845His. To our knowledge, this variant has not been reported in the literature or in a large population database, indicating this variant is rare. At this time, the clinical significance of this variant is uncertain due to the absence of conclusive functional and genetic evidence.

NM_006015.6(ARID1A):c.2534C>A (p.Pro845His)

Gene: ARID1A (AT-rich interaction domain 1A; plus strand). Cytogenetic location: 1p36.11.
Variant type: single nucleotide variant.
Coding change: c.2534C>A on transcript NM_006015.6 (MANE Select); coding-DNA position 2534, C replaced by A.
Protein change: p.Pro845His; replaces proline 845 with histidine.
Molecular consequence: missense variant.
Genome position (GRCh38, 1-based): chr1:26,763,087, C>A. VCF-style: chr1-26763087-C-A. GRCh37 (hg19) VCF-style: chr1-27089578-C-A.
Other names: c.2534C>A, p.Pro845His (NM_139135.4); short protein forms P845H.
Identifiers: ClinVar variation 2630953 (VCV002630953.1), dbSNP rs1557609377, ClinGen allele CA339156714.